The following is an entry in ClinVar:

NM_000059.4(BRCA2):c.5911del (p.Ser1971fs)

Gene: BRCA2 (BRCA2 DNA repair associated; plus strand). Cytogenetic location: 13q13.1.
Variant type: Deletion.
Coding change: c.5911del on transcript NM_000059.4 (MANE Select); coding-DNA position 5911, one base deleted (T; older notation c.5911delT).
Protein change: p.Ser1971fs; shifts the reading frame from serine 1971.
Molecular consequence: frameshift variant.
Genome position (GRCh38, 1-based): chr13:32,340,266, T deleted. VCF-style (leftmost placement, unchanged base first): chr13-32340265-AT-A. GRCh37 (hg19) VCF-style: chr13-32914402-AT-A.
Other names: c.5911delT (NM_000059.3); short protein forms S1971fs.
Identifiers: ClinVar variation 441471 (VCV000441471.5), dbSNP rs1555284457, ClinGen allele CA658653656.
Genomic context (GRCh38, chr13:32,340,265, plus strand): 5'-TAGTTTGGAAACTTCAGATATATGTAAATGTAGTATAGGGAAGCTTCATAAGTCAGTCTC[AT>A]CTGCAAATACTTGTGGGATTTTTAGCACAGCAAGTGGAAAATCTGTCCAGGTATCAGATG-3'

ClinVar aggregate classification (germline): Pathogenic. Review status: reviewed by expert panel (3 of 4 stars). 2 submissions from 2 submitters: Pathogenic (1). 1 of the submissions does not count toward it. Last evaluated 2017-12-15.

Conditions:
Hereditary cancer-predisposing syndrome. Also called: Hereditary Cancer Syndrome; Hereditary neoplastic syndrome; Tumor predisposition; Neoplastic Syndromes, Hereditary. Identifiers: Orphanet 140162, MedGen C0027672, MeSH D009386, MONDO:0015356.
Breast-ovarian cancer, familial, susceptibility to, 2 (BROVCA2). Also called: BRCA2 Hereditary Breast and Ovarian Cancer. Identifiers: Orphanet 145, MedGen C2675520, MONDO:0012933, OMIM 612555. Disease mechanism: loss of function.

Submissions (2):

Evidence-based Network for the Interpretation of Germline Mutant Alleles (ENIGMA)
Classification: Pathogenic for Breast-ovarian cancer, familial, susceptibility to, 2. Last evaluated: 2017-12-15. Review status: reviewed by expert panel. Criteria: ENIGMA BRCA1/2 Classification Criteria (2017-06-29). Collection method: curation. Allele origin: germline. Study: ENIGMA.
Comment: Variant allele predicted to encode a truncated non-functional protein.

Ambry Genetics
Classification: Pathogenic for Hereditary cancer-predisposing syndrome. Last evaluated: 2016-03-21. Review status: criteria provided, single submitter. Criteria: Ambry Variant Classification Scheme 2023. Collection method: clinical testing. Allele origin: germline. Not counted in ClinVar's aggregate classification.
Comment: The c.5911delT pathogenic mutation, located in coding exon 10 of the BRCA2 gene, results from a deletion of one nucleotide at nucleotide position 5911, causing a translational frameshift with a predicted alternate stop codon. Since frameshifts are typically deleterious in nature, this alteration is interpreted as a disease-causing mutation (ACMG Recommendations for Standards for Interpretation and Reporting of Sequence Variations. Revision 2007. Genet Med. 2008;10:294).